The following is an entry in ClinVar:

ClinVar aggregate classification (germline): Uncertain significance (1 of 4 stars; one submission).

Conditions:
Factor H deficiency (CFHD). Also called: COMPLEMENT FACTOR H DEFICIENCY; CFH DEFICIENCY. Identifiers: Orphanet 200421, MedGen C0398777, MONDO:0012350, OMIM 609814.

Submission:

Genomenon, Inc
Classification: Uncertain significance for Factor H deficiency. Last evaluated: 2026-09-17. Review status: criteria provided, single submitter. Criteria: Genomenon Sequence Variant Interpretation Standards - Updated. Collection method: curation. Allele origin: germline. Affected: yes.
Comment: CFH p.Trp978Leu (c.2933G>T) is a missense variant that changes the amino acid at codon 978 from tryptophan to leucine. This variant has been observed in at least one proband affected with complement factor H deficiency (PMID: 28637589). It is absent or not present at a significant frequency in gnomAD. In silico models predict that this variant is possibly or probably damaging. In conclusion, we classify CFH p.Trp978Leu (c.2933G>T) as a variant of uncertain significance.

Literature cited by the submitters: PubMed 28637589.

NM_000186.4(CFH):c.2933G>T (p.Trp978Leu)

Gene: CFH (complement factor H; plus strand). Cytogenetic location: 1q31.3.
Variant type: single nucleotide variant.
Coding change: c.2933G>T on transcript NM_000186.4 (MANE Select); coding-DNA position 2933, G replaced by T.
Protein change: p.Trp978Leu; replaces tryptophan 978 with leucine.
Molecular consequence: missense variant.
Genome position (GRCh38, 1-based): chr1:196,740,769, G>T. VCF-style: chr1-196740769-G-T. GRCh37 (hg19) VCF-style: chr1-196709899-G-T.
Other names: short protein forms W978L.
Identifiers: ClinVar variation 4291522 (VCV004291522.2).